The following is an entry in ClinVar:

ClinVar aggregate classification (germline): Pathogenic/Likely risk allele. Review status: criteria provided, multiple submitters, no conflicts (2 of 4 stars). 6 submissions from 6 submitters: Pathogenic (1); Likely risk allele (1). 4 of the submissions do not count toward it. Last evaluated 2024-09-25.

Conditions:
Diabetes mellitus, permanent neonatal 4. Also called: INS-Related Permanent Neonatal Diabetes Mellitus. Identifiers: MedGen C5394307, MONDO:0030089, OMIM 618858.
Neonatal diabetes mellitus (NDM). Identifiers: Orphanet 224, MedGen C0158981, MONDO:0016391.
Permanent neonatal diabetes mellitus (PNDM). Identifiers: Orphanet 99885, MedGen C1833104, MONDO:0100164, MONDO:0011643. Disease mechanism: gain of function.
Type 2 diabetes mellitus. Also called: Type II diabetes mellitus. Identifiers: MedGen C0011860, MeSH D003924, MONDO:0005148, OMIM 125853, HP:0005978.

Submissions (6):

GeneDx
Classification: Pathogenic. Last evaluated: 2024-09-25. Review status: criteria provided, single submitter. Criteria: GeneDx Variant Classification Process June 2021. Collection method: clinical testing. Allele origin: germline. Affected: yes.
Comment: In silico analysis supports that this missense variant has a deleterious effect on protein structure/function; Not observed at significant frequency in large population cohorts (gnomAD); This variant is associated with the following publications: (PMID: 36830626, 17047922, 18171712, 18162506, 20724178, 37048081, 24843647, 30177968, 20938745, 19952343, 17855560, 20034470, 36028536)

Clinical Genomics, Uppaluri K&H Personalized Medicine Clinic
Classification: Likely risk allele for Type 2 diabetes mellitus. Review status: criteria provided, single submitter. Criteria: K &amp; H Uppaluri Personalized Medicine Clinic Variant Classification &amp; Assertion Criteria_Updated V.1. Collection method: research. Allele origin: unknown. Inheritance: Autosomal dominant inheritance.
Comment: Potent mutations in theINS gene can cause early onset diabetes mellitus which is insulin dependent. May have poor response to sulfonylureas, mutations in this gene can cause beta cell destruction.Sufficient evidence is found to confer the association of this particular variant C43G/ rs80356666 with Diabetes mellitus.

Women's Health and Genetics/Laboratory Corporation of America, LabCorp
No classification provided. Condition: Neonatal Diabetes Mellitus. Last evaluated: 2015-10-02. Review status: no classification provided. Collection method: clinical testing. Allele origin: germline. Not counted in ClinVar's aggregate classification.

OMIM
Classification: Pathogenic for DIABETES MELLITUS, PERMANENT NEONATAL, 4. Last evaluated: 2007-09-18. Review status: no assertion criteria provided. Collection method: literature only. Allele origin: germline. Not counted in ClinVar's aggregate classification.

GeneReviews
No classification provided. Condition: Permanent neonatal diabetes mellitus. Review status: no classification provided. Collection method: literature only. Allele origin: unknown. Not counted in ClinVar's aggregate classification.

UniProtKB/Swiss-Prot
No classification provided. Condition: Permanent neonatal diabetes mellitus. Review status: no classification provided. Collection method: not provided. Allele origin: not provided. Not counted in ClinVar's aggregate classification.

Literature cited by the submitters: PubMed 18162506 (cited by Clinical Genomics, Uppaluri K&H Personalized Medicine Clinic); PubMed 17855560 (cited by OMIM); PubMed 17047922 (cited by GeneReviews); PubMed 18171712 (cited by GeneReviews); PubMed 20301620 (cited by GeneReviews); NCBI Bookshelf NBK1447 (cited by GeneReviews).

NM_000207.3(INS):c.127T>G (p.Cys43Gly)

Genes: INS (insulin; minus strand), INS-IGF2 (INS-IGF2 readthrough; minus strand). Cytogenetic location: 11p15.5.
Variant type: single nucleotide variant.
Coding change: c.127T>G on transcript NM_000207.3 (MANE Select); coding-DNA position 127, T replaced by G.
Protein change: p.Cys43Gly; replaces cysteine 43 with glycine.
Molecular consequence: missense variant. On other transcripts: non-coding transcript variant (1).
Genome position (GRCh38, 1-based): chr11:2,160,845, A>C on the plus strand (T>G on the coding strand, the complement: INS is on the minus strand). VCF-style: chr11-2160845-A-C. GRCh37 (hg19) VCF-style: chr11-2182075-A-C.
Other names: c.127T>G, p.Cys43Gly (NM_001185097.2, NM_001185098.2, NM_001291897.2 and 1 more transcripts); short protein forms C43G.
Identifiers: ClinVar variation 21114 (VCV000021114.7), dbSNP rs80356666, ClinGen allele CA214063.